The following is an entry in ClinVar:

NM_052872.4(IL17F):c.254+1G>A

Gene: IL17F (interleukin 17F; minus strand). Cytogenetic location: 6p12.2.
Variant type: single nucleotide variant.
Coding change: c.254+1G>A on transcript NM_052872.4 (MANE Select); the canonical splice donor site of the intron after coding-DNA position 254, G replaced by A.
Molecular consequence: splice donor variant.
Genome position (GRCh38, 1-based): chr6:52,238,729, C>T on the plus strand (G>A on the coding strand, the complement: IL17F is on the minus strand). VCF-style: chr6-52238729-C-T. GRCh37 (hg19) VCF-style: chr6-52103527-C-T.
Identifiers: ClinVar variation 911491 (VCV000911491.13), dbSNP rs117796773, ClinGen allele CA3854411.

ClinVar aggregate classification (germline): Conflicting classifications of pathogenicity. Review status: criteria provided, conflicting classifications (1 of 4 stars). 2 submissions from 2 submitters: Uncertain significance (1); Benign (1). Last evaluated 2025-10-01.

Conditions:
Candidiasis, familial, 6 (CANDF6). Also called: Candidiasis, familial, 6, autosomal dominant. Identifiers: Orphanet 1334, MedGen C3151405, MONDO:0013503, OMIM 613956.

Allele frequency attached by ClinVar (database versions not stated): TOPMed 0.00002; ESP Exome Variant Server 0.00008.

Submissions (2):

Labcorp Genetics (formerly Invitae), Labcorp
Classification: Uncertain significance for Candidiasis, familial, 6. Last evaluated: 2025-10-01. Review status: criteria provided, single submitter. Criteria: Invitae Variant Classification Sherloc (09022015). Collection method: clinical testing. Allele origin: germline.
Comment: This sequence change falls in intron 2 of the IL17F gene. It does not directly change the encoded amino acid sequence of the IL17F protein. It affects a nucleotide within the consensus splice site. This variant is present in population databases (rs117796773, gnomAD 0.04%). This variant has not been reported in the literature in individuals affected with IL17F-related conditions. ClinVar contains an entry for this variant (Variation ID: 911491). Variants that disrupt the consensus splice site are a relatively common cause of aberrant splicing (PMID: 17576681, 9536098). Algorithms developed to predict the effect of sequence changes on RNA splicing suggest that this variant may disrupt the consensus splice site. In summary, the available evidence is currently insufficient to determine the role of this variant in disease. Therefore, it has been classified as a Variant of Uncertain Significance.

Illumina Laboratory Services, Illumina
Classification: Benign for Candidiasis, familial, 6. Last evaluated: 2017-04-28. Review status: criteria provided, single submitter. Criteria: ICSL Variant Classification Criteria 13 December 2019. Collection method: clinical testing. Allele origin: germline.
Comment: This variant was observed in the ICSL laboratory as part of a predisposition screen in an ostensibly healthy population. It had not been previously curated by ICSL or reported in the Human Gene Mutation Database (HGMD: prior to June 1st, 2018), and was therefore a candidate for classification through an automated scoring system. Utilizing variant allele frequency, disease prevalence and penetrance estimates, and inheritance mode, an automated score was calculated to assess if this variant is too frequent to cause the disease. Based on the score and internal cut-off values, a variant classified as benign is not then subjected to further curation. The score for this variant resulted in a classification of benign for this disease.

Literature cited by the submitters: PubMed 17576681 (cited by Labcorp Genetics (formerly Invitae), Labcorp); PubMed 9536098 (cited by Labcorp Genetics (formerly Invitae), Labcorp).